The following is an entry in ClinVar:

NM_001378615.1(CC2D2A):c.3288+3G>A

Genes: FBXL5 (F-box and leucine rich repeat protein 5; minus strand), CC2D2A (coiled-coil and C2 domain containing 2A; plus strand). Cytogenetic location: 4p15.32.
Variant type: single nucleotide variant.
Coding change: c.3288+3G>A on transcript NM_001378615.1 (MANE Select); 3 bases into the intron after coding-DNA position 3288, G replaced by A.
Molecular consequence: intron variant.
Genome position (GRCh38, 1-based): chr4:15,567,485, G>A. VCF-style: chr4-15567485-G-A. GRCh37 (hg19) VCF-style: chr4-15569108-G-A.
Other names: c.3288+3G>A (NM_001080522.2); c.3141+3G>A (NM_001378617.1).
Identifiers: ClinVar variation 657346 (VCV000657346.10), dbSNP rs372903309, ClinGen allele CA2864125.
Genomic context (GRCh38, chr4:15,567,485, plus strand): 5'-TGCTGCTTCCCCAAGCACGTACAGCCCAACCCACAATGCTGACTACCCCCTCGGCCAGGT[G>A]AGAGATGCTGGACTTCAGCTTTCCACCTTGCCCCTTAAGTTTTTAAGAAATGACTGTAAA-3'

ClinVar aggregate classification (germline): Conflicting classifications of pathogenicity. Review status: criteria provided, conflicting classifications (1 of 4 stars). 4 submissions from 4 submitters: Uncertain significance (2); Likely benign (1). 1 of the submissions does not count toward it. Last evaluated 2024-04-15.

Conditions:
Joubert syndrome 9 (JBTS9). Identifiers: Orphanet 2318, MedGen C2676788, MONDO:0012849, OMIM 612285.
Meckel syndrome, type 6. Identifiers: Orphanet 564, MedGen C2676790, MONDO:0012848, OMIM 612284.
Retinitis pigmentosa 93. Identifiers: MedGen C5676970, MONDO:0030797, OMIM 619845.
COACH syndrome 2. Identifiers: MedGen C5436837, MONDO:0030859, OMIM 619111.
CC2D2A-related disorder. Also called: CC2D2A-related disorders; CC2D2A-related condition. Identifiers: MedGen CN239313.
Joubert syndrome. Also called: JOUBERT-BOLTSHAUSER SYNDROME; Familial aplasia of the vermis. Identifiers: Orphanet 475, MedGen C5979921, MONDO:0018772.
Meckel-Gruber syndrome. Also called: Dysencephalia splachnocystica; DYSENCEPHALIA SPLANCHNOCYSTICA; GRUBER SYNDROME. Identifiers: Orphanet 564, MedGen C0265215, MONDO:0018921.

Allele frequency attached by ClinVar (database versions not stated): TOPMed 0.00018; ExAC 0.00006; ESP Exome Variant Server 0.00008; gnomAD 0.00012 and 0.00014; gnomAD exomes 0.00002 and 0.00004.
gnomAD v4.1: 39 of 1,610,378 alleles (0.0024%); highest among the groups gnomAD compares: African/African-American, 0.052%; no homozygotes.

Submissions (4):

Fulgent Genetics
Classification: Uncertain significance for Meckel syndrome, type 6; Joubert syndrome 9; COACH syndrome 2; Retinitis pigmentosa 93. Last evaluated: 2024-04-15. Review status: criteria provided, single submitter. Criteria: ACMG Guidelines, 2015. Collection method: clinical testing. Allele origin: germline.

Labcorp Genetics (formerly Invitae), Labcorp
Classification: Uncertain significance for Joubert syndrome; Meckel-Gruber syndrome. Last evaluated: 2022-09-01. Review status: criteria provided, single submitter. Criteria: Invitae Variant Classification Sherloc (09022015). Collection method: clinical testing. Allele origin: germline.
Comment: This sequence change falls in intron 26 of the CC2D2A gene. It does not directly change the encoded amino acid sequence of the CC2D2A protein. It affects a nucleotide within the consensus splice site. This variant is present in population databases (rs372903309, gnomAD 0.06%). This variant has not been reported in the literature in individuals affected with CC2D2A-related conditions. ClinVar contains an entry for this variant (Variation ID: 657346). Variants that disrupt the consensus splice site are a relatively common cause of aberrant splicing (PMID: 17576681, 9536098). Algorithms developed to predict the effect of sequence changes on RNA splicing suggest that this variant is not likely to affect RNA splicing. In summary, the available evidence is currently insufficient to determine the role of this variant in disease. Therefore, it has been classified as a Variant of Uncertain Significance.

Blueprint Genetics
Classification: Likely benign. Last evaluated: 2022-02-08. Review status: criteria provided, single submitter. Criteria: ACMG Guidelines, 2015. Collection method: clinical testing. Allele origin: germline.

PreventionGenetics, part of Exact Sciences
Classification: Likely benign for CC2D2A-related condition. Last evaluated: 2024-02-19. Review status: no assertion criteria provided. Collection method: clinical testing. Allele origin: germline. Not counted in ClinVar's aggregate classification.
Comment: This variant is classified as likely benign based on ACMG/AMP sequence variant interpretation guidelines (Richards et al. 2015 PMID: 25741868, with internal and published modifications).

Literature cited by the submitters: PubMed 17576681 (cited by Labcorp Genetics (formerly Invitae), Labcorp); PubMed 9536098 (cited by Labcorp Genetics (formerly Invitae), Labcorp).